The following is an entry in ClinVar:

NM_212482.4(FN1):c.7402G>A (p.Val2468Ile)

Genes: ATIC (5-aminoimidazole-4-carboxamide ribonucleotide formyltransferase/IMP cyclohydrolase; plus strand), FN1 (fibronectin 1; minus strand). Cytogenetic location: 2q35.
Variant type: single nucleotide variant.
Coding change: c.7402G>A on transcript NM_212482.4 (MANE Select); coding-DNA position 7402, G replaced by A.
Protein change: p.Val2468Ile; replaces valine 2468 with isoleucine.
Molecular consequence: missense variant.
Genome position (GRCh38, 1-based): chr2:215,361,587, C>T on the plus strand (G>A on the coding strand, the complement: FN1 is on the minus strand). VCF-style: chr2-215361587-C-T. GRCh37 (hg19) VCF-style: chr2-216226310-C-T.
Other names: c.7309G>A, p.Val2437Ile (NM_001306129.2); c.6772G>A, p.Val2258Ile (NM_001306130.2); c.6766G>A, p.Val2256Ile (NM_001306131.2); c.6691G>A, p.Val2231Ile (NM_001306132.2); c.7132G>A, p.Val2378Ile (NM_001365517.2); c.7129G>A, p.Val2377Ile (NM_001365518.2); c.7057G>A, p.Val2353Ile (NM_001365519.2); c.7054G>A, p.Val2352Ile (NM_001365520.2); and 8 more; short protein forms V2321I, V2353I, V2377I, V2468I, V2167I, V2257I, V2258I, V2287I.
Identifiers: ClinVar variation 1368582 (VCV001368582.9), dbSNP rs149294265, ClinGen allele CA2093541.
Genomic context (GRCh38, chr2:215,361,587, plus strand): 5'-GCTTGTTCCTCTGGATTGGAAAGATGATTTACTCTCGGGAATCTTCTCTGTCAGCCTGTA[C>T]ATCTAAAGGCATGAAGCACTCAATTGGGCAATTAACATTCTGTTAAAAAGGAAGAAGGAA-3'
Protein context (NP_997647.2, residues 2458-2477): CPIECFMPLD[Val2468Ile]QADREDSRE

ClinVar aggregate classification (germline): Uncertain significance. Review status: criteria provided, multiple submitters, no conflicts (2 of 4 stars). 2 submissions from 2 submitters: Uncertain significance (2). Last evaluated 2023-07-17.

Conditions:
Glomerulopathy with fibronectin deposits 2 (GFND2). Identifiers: Orphanet 84090, MedGen C1866075, MONDO:0011165, OMIM 601894.
Spondylometaphyseal dysplasia - Sutcliffe type. Also called: Spondylometaphyseal dysplasia, 'corner fracture' type; Spondylometaphyseal Dysplasia, Corner Fracture Type; Sutcliffe type of spondylometaphyseal dysplasia; Sutcliffe SMD. Identifiers: Orphanet 93315, MedGen C0432221, MONDO:0008479, OMIM 184255.

Allele frequency attached by ClinVar (database versions not stated): ExAC 0.00002; gnomAD 0.00002; gnomAD exomes 0.00002; TOPMed 0.00002; ESP Exome Variant Server 0.00008.
gnomAD v4.1: 29 of 1,611,806 alleles (0.0018%); highest among the groups gnomAD compares: East Asian, 0.0045%; no homozygotes.

Submissions (2):

Labcorp Genetics (formerly Invitae), Labcorp
Classification: Uncertain significance. Last evaluated: 2023-07-17. Review status: criteria provided, single submitter. Criteria: Invitae Variant Classification Sherloc (09022015). Collection method: clinical testing. Allele origin: germline.
Comment: In summary, the available evidence is currently insufficient to determine the role of this variant in disease. Therefore, it has been classified as a Variant of Uncertain Significance. Algorithms developed to predict the effect of missense changes on protein structure and function output the following: SIFT: "Not Available"; PolyPhen-2: "Benign"; Align-GVGD: "Not Available". The isoleucine amino acid residue is found in multiple mammalian species, which suggests that this missense change does not adversely affect protein function. ClinVar contains an entry for this variant (Variation ID: 1368582). This variant has not been reported in the literature in individuals affected with FN1-related conditions. This variant is present in population databases (rs149294265, gnomAD 0.004%). This sequence change replaces valine, which is neutral and non-polar, with isoleucine, which is neutral and non-polar, at codon 2468 of the FN1 protein (p.Val2468Ile).

Fulgent Genetics
Classification: Uncertain significance for Spondylometaphyseal dysplasia - Sutcliffe type; Glomerulopathy with fibronectin deposits 2. Last evaluated: 2021-10-26. Review status: criteria provided, single submitter. Criteria: ACMG Guidelines, 2015. Collection method: clinical testing. Allele origin: unknown.